The following is an entry in ClinVar:

NM_017654.4(SAMD9):c.565A>C (p.Asn189His)

Gene: SAMD9 (sterile alpha motif domain containing 9; minus strand). Cytogenetic location: 7q21.2.
Variant type: single nucleotide variant.
Coding change: c.565A>C on transcript NM_017654.4 (MANE Select); coding-DNA position 565, A replaced by C.
Protein change: p.Asn189His; replaces asparagine 189 with histidine.
Molecular consequence: missense variant.
Genome position (GRCh38, 1-based): chr7:93,105,533, T>G on the plus strand (A>C on the coding strand, the complement: SAMD9 is on the minus strand). VCF-style: chr7-93105533-T-G. GRCh37 (hg19) VCF-style: chr7-92734846-T-G.
Other names: c.565A>C, p.Asn189His (NM_001193307.2); short protein forms N189H.
Identifiers: ClinVar variation 4159019 (VCV004159019.1).

ClinVar aggregate classification (germline): Uncertain significance (1 of 4 stars; one submission).

Conditions:
Inborn genetic diseases. Identifiers: MedGen C0950123, MeSH D030342.

gnomAD v4.1: 1 of 1,614,142 alleles (0.000062%); highest among the groups gnomAD compares: Non-Finnish European, 0.000085%; no homozygotes.

Submission:

Ambry Genetics
Classification: Uncertain significance for Inborn genetic diseases. Last evaluated: 2025-06-20. Review status: criteria provided, single submitter. Criteria: Ambry Variant Classification Scheme 2023. Collection method: clinical testing. Allele origin: germline.
Comment: The p.N189H variant (also known as c.565A>C), located in coding exon 1 of the SAMD9 gene, results from an A to C substitution at nucleotide position 565. The asparagine at codon 189 is replaced by histidine, an amino acid with similar properties. This amino acid position is conserved. In addition, this alteration is predicted to be tolerated by in silico analysis. Based on the available evidence, the clinical significance of this variant remains unclear.